The following is an entry in ClinVar:

ClinVar aggregate classification (germline): Uncertain significance (1 of 4 stars; one submission).

Conditions:
Brody myopathy. Also called: BRODY DISEASE. Identifiers: Orphanet 53347, MedGen C1832918, MONDO:0010977, OMIM 601003.

Allele frequency attached by ClinVar (database versions not stated): gnomAD exomes below 0.00001.
gnomAD v4.1: 1 of 1,613,978 alleles (0.000062%); highest among the groups gnomAD compares: African/African-American, 0.0013%; no homozygotes.

Submission:

Labcorp Genetics (formerly Invitae), Labcorp
Classification: Uncertain significance for Brody myopathy. Last evaluated: 2022-05-14. Review status: criteria provided, single submitter. Criteria: Invitae Variant Classification Sherloc (09022015). Collection method: clinical testing. Allele origin: germline.
Comment: This sequence change replaces alanine, which is neutral and non-polar, with serine, which is neutral and polar, at codon 306 of the ATP2A1 protein (p.Ala306Ser). This variant is not present in population databases (gnomAD no frequency). This variant has not been reported in the literature in individuals affected with ATP2A1-related conditions. Algorithms developed to predict the effect of missense changes on protein structure and function are either unavailable or do not agree on the potential impact of this missense change (SIFT: "Deleterious"; PolyPhen-2: "Probably Damaging"; Align-GVGD: "Class C0"). In summary, the available evidence is currently insufficient to determine the role of this variant in disease. Therefore, it has been classified as a Variant of Uncertain Significance.

NM_004320.6(ATP2A1):c.916G>T (p.Ala306Ser)

Gene: ATP2A1 (ATPase sarcoplasmic/endoplasmic reticulum Ca2+ transporting 1; plus strand). Cytogenetic location: 16p11.2.
Variant type: single nucleotide variant.
Coding change: c.916G>T on transcript NM_004320.6 (MANE Select); coding-DNA position 916, G replaced by T.
Protein change: p.Ala306Ser; replaces alanine 306 with serine.
Molecular consequence: missense variant.
Genome position (GRCh38, 1-based): chr16:28,887,710, G>T. VCF-style: chr16-28887710-G-T. GRCh37 (hg19) VCF-style: chr16-28899031-G-T.
Other names: c.541G>T, p.Ala181Ser (NM_001286075.2); c.916G>T, p.Ala306Ser (NM_173201.5); short protein forms A181S, A306S.
Identifiers: ClinVar variation 2118088 (VCV002118088.4), dbSNP rs2506284103, ClinGen allele CA395404235.
Genomic context (GRCh38, chr16:28,887,710, plus strand): 5'-GGCTCCTGGTTCCGCGGGGCCATCTACTACTTTAAGATTGCCGTGGCCTTGGCTGTGGCT[G>T]CCATCCCCGAAGGTATGAAAGCCTTTCTTTTCTCCTCCCATTTGCTAATCCCATCTGCAA-3'
Protein context (NP_004311.1, residues 296-316): FKIAVALAVA[Ala306Ser]IPEGLPAVIT